The following is an entry in ClinVar:

NM_000158.4(GBE1):c.526A>T (p.Ile176Leu)

Gene: GBE1 (1,4-alpha-glucan branching enzyme 1; minus strand). Cytogenetic location: 3p12.2.
Variant type: single nucleotide variant.
Coding change: c.526A>T on transcript NM_000158.4 (MANE Select); coding-DNA position 526, A replaced by T.
Protein change: p.Ile176Leu; replaces isoleucine 176 with leucine.
Molecular consequence: missense variant.
Genome position (GRCh38, 1-based): chr3:81,649,825, T>A on the plus strand (A>T on the coding strand, the complement: GBE1 is on the minus strand). VCF-style: chr3-81649825-T-A. GRCh37 (hg19) VCF-style: chr3-81698976-T-A.
Other names: short protein forms I176L.
Identifiers: ClinVar variation 2144236 (VCV002144236.1), dbSNP rs554273784, ClinGen allele CA2499945.

ClinVar aggregate classification (germline): Uncertain significance (1 of 4 stars; one submission).

Conditions:
Glycogen storage disease IV, classic hepatic. Also called: GSD IV, CLASSIC HEPATIC. Identifiers: MedGen C1856301.
Glycogen storage disease, type IV (GSD4). Also called: CIRRHOSIS, FAMILIAL, WITH DEPOSITION OF ABNORMAL GLYCOGEN; GBE1 DEFICIENCY; GLYCOGEN BRANCHING ENZYME DEFICIENCY; GLYCOGENOSIS IV; GSD IV; AMYLOPECTINOSIS. Identifiers: Orphanet 367, MedGen C0017923, MONDO:0009292, OMIM 232500.

Allele frequency attached by ClinVar (database versions not stated): gnomAD exomes 0.00001; TOPMed 0.00001; gnomAD 0.00001; ExAC 0.00004; 1000 Genomes Project 30x 0.00031; 1000 Genomes Project 0.00040.
gnomAD v4.1: 16 of 1,611,272 alleles (0.00099%); highest among the groups gnomAD compares: South Asian, 0.018%; no homozygotes.

Submission:

Labcorp Genetics (formerly Invitae), Labcorp
Classification: Uncertain significance for Glycogen storage disease, type IV; Glycogen storage disease IV, classic hepatic. Last evaluated: 2022-05-25. Review status: criteria provided, single submitter. Criteria: Invitae Variant Classification Sherloc (09022015). Collection method: clinical testing. Allele origin: germline.
Comment: This sequence change replaces isoleucine, which is neutral and non-polar, with leucine, which is neutral and non-polar, at codon 176 of the GBE1 protein (p.Ile176Leu). This variant is present in population databases (rs554273784, gnomAD 0.04%). This variant has not been reported in the literature in individuals affected with GBE1-related conditions. Advanced modeling of protein sequence and biophysical properties (such as structural, functional, and spatial information, amino acid conservation, physicochemical variation, residue mobility, and thermodynamic stability) performed at Invitae indicates that this missense variant is not expected to disrupt GBE1 protein function. In summary, the available evidence is currently insufficient to determine the role of this variant in disease. Therefore, it has been classified as a Variant of Uncertain Significance.